The following is an entry in ClinVar:

NM_020822.3(KCNT1):c.1759G>A (p.Ala587Thr)

Gene: KCNT1 (potassium sodium-activated channel subfamily T member 1; plus strand). Cytogenetic location: 9q34.3.
Variant type: single nucleotide variant.
Coding change: c.1759G>A on transcript NM_020822.3 (MANE Select); coding-DNA position 1759, G replaced by A.
Protein change: p.Ala587Thr; replaces alanine 587 with threonine.
Molecular consequence: missense variant.
Genome position (GRCh38, 1-based): chr9:135,770,437, G>A. VCF-style: chr9-135770437-G-A. GRCh37 (hg19) VCF-style: chr9-138662283-G-A.
Other names: c.1624G>A, p.Ala542Thr (NM_001272003.2); short protein forms A542T, A587T.
Identifiers: ClinVar variation 700190 (VCV000700190.11), dbSNP rs144421853, ClinGen allele CA5327049.
Genomic context (GRCh38, chr9:135,770,437, plus strand): 5'-GGTGACAGCAAGTTCTTCCGCGAGTACGAGGGCAAGAGCTTCACCTACGCGGCCTTCCAC[G>A]CCCACAAGAAGTAAGGCCGGGCTGCATCCACAGGGCTGGCGCTCCAGGGCTGCTCTGCTC-3'
Protein context (NP_065873.2, residues 577-597): GKSFTYAAFH[Ala587Thr]HKKYGVCLIG

ClinVar aggregate classification (germline): Conflicting classifications of pathogenicity. Review status: criteria provided, conflicting classifications (1 of 4 stars). 3 submissions from 3 submitters: Uncertain significance (1); Likely benign (2). Last evaluated 2025-09-26.

Conditions:
Inborn genetic diseases. Identifiers: MedGen C0950123, MeSH D030342.
Developmental and epileptic encephalopathy, 14 (DEE14). Also called: Early infantile epileptic encephalopathy 14. Identifiers: Orphanet 293181, MedGen C3554195, MONDO:0013989, OMIM 614959.
Autosomal dominant nocturnal frontal lobe epilepsy 5. Also called: CILIARY DYSKINESIA, PRIMARY, 28, WITHOUT SITUS INVERSUS; CILIARY DYSKINESIA, PRIMARY, 28, WITH SITUS INVERSUS; Epilepsy, nocturnal frontal lobe, 5; KCNT1-Related Epilepsy. Identifiers: Orphanet 98784, MedGen C3554306, MONDO:0014002, OMIM 615005.

Allele frequency attached by ClinVar (database versions not stated): gnomAD 0.00002 and 0.00003; TOPMed 0.00003; gnomAD exomes 0.00004; ExAC 0.00006.
gnomAD v4.1: 41 of 1,611,260 alleles (0.0025%); highest among the groups gnomAD compares: African/African-American, 0.0013%; no homozygotes.

Submissions (3):

Ambry Genetics
Classification: Likely benign for Inborn genetic diseases. Last evaluated: 2025-09-26. Review status: criteria provided, single submitter. Criteria: Ambry Variant Classification Scheme 2023. Collection method: clinical testing. Allele origin: germline.

Labcorp Genetics (formerly Invitae), Labcorp
Classification: Likely benign for Autosomal dominant nocturnal frontal lobe epilepsy 5; Developmental and epileptic encephalopathy, 14. Last evaluated: 2025-05-10. Review status: criteria provided, single submitter. Criteria: Invitae Variant Classification Sherloc (09022015). Collection method: clinical testing. Allele origin: germline.

GeneDx
Classification: Uncertain significance. Last evaluated: 2023-03-09. Review status: criteria provided, single submitter. Criteria: GeneDx Variant Classification Process June 2021. Collection method: clinical testing. Allele origin: germline. Affected: yes.
Comment: In silico analysis supports that this missense variant has a deleterious effect on protein structure/function; Has not been previously published as pathogenic or benign to our knowledge